The following is an entry in ClinVar:

NM_004525.3(LRP2):c.7525C>G (p.Pro2509Ala)

Gene: LRP2 (LDL receptor related protein 2; minus strand). Cytogenetic location: 2q31.1.
Variant type: single nucleotide variant.
Coding change: c.7525C>G on transcript NM_004525.3 (MANE Select); coding-DNA position 7525, C replaced by G.
Protein change: p.Pro2509Ala; replaces proline 2509 with alanine.
Molecular consequence: missense variant.
Genome position (GRCh38, 1-based): chr2:169,206,054, G>C on the plus strand (C>G on the coding strand, the complement: LRP2 is on the minus strand). VCF-style: chr2-169206054-G-C. GRCh37 (hg19) VCF-style: chr2-170062564-G-C.
Other names: short protein forms P2509A.
Identifiers: ClinVar variation 1940965 (VCV001940965.2), dbSNP rs1390247441, ClinGen allele CA349169913.

ClinVar aggregate classification (germline): Uncertain significance (1 of 4 stars; one submission).

Allele frequency attached by ClinVar (database versions not stated): gnomAD exomes below 0.00001; gnomAD 0.00001.
gnomAD v4.1: 2 of 1,614,058 alleles (0.00012%); highest among the groups gnomAD compares: Non-Finnish European, 0.00017%; no homozygotes.

Submission:

Labcorp Genetics (formerly Invitae), Labcorp
Classification: Uncertain significance. Last evaluated: 2022-07-22. Review status: criteria provided, single submitter. Criteria: Invitae Variant Classification Sherloc (09022015). Collection method: clinical testing. Allele origin: germline.
Comment: This sequence change replaces proline, which is neutral and non-polar, with alanine, which is neutral and non-polar, at codon 2509 of the LRP2 protein (p.Pro2509Ala). This variant is present in population databases (no rsID available, gnomAD 0.007%). This variant has not been reported in the literature in individuals affected with LRP2-related conditions. Advanced modeling of protein sequence and biophysical properties (such as structural, functional, and spatial information, amino acid conservation, physicochemical variation, residue mobility, and thermodynamic stability) performed at Invitae indicates that this missense variant is expected to disrupt LRP2 protein function. In summary, the available evidence is currently insufficient to determine the role of this variant in disease. Therefore, it has been classified as a Variant of Uncertain Significance.